The following is an entry in ClinVar:

NM_152383.5(DIS3L2):c.2187C>T (p.Pro729=)

Gene: DIS3L2 (DIS3 like 3'-5' exoribonuclease 2; plus strand). Cytogenetic location: 2q37.1.
Variant type: single nucleotide variant.
Coding change: c.2187C>T on transcript NM_152383.5 (MANE Select); coding-DNA position 2187, C replaced by T.
Protein change: p.Pro729=; no amino-acid change (proline 729 retained).
Molecular consequence: synonymous variant. On other transcripts: non-coding transcript variant (2), intron variant (1).
Genome position (GRCh38, 1-based): chr2:232,334,397, C>T. VCF-style: chr2-232334397-C-T. GRCh37 (hg19) VCF-style: chr2-233199107-C-T.
Other names: p.Pro729=; c.1582-8948C>T (NM_001257281.2).
Identifiers: ClinVar variation 334945 (VCV000334945.19), dbSNP rs75782436, ClinGen allele CA2164441.

ClinVar aggregate classification (germline): Benign/Likely benign. Review status: criteria provided, multiple submitters, no conflicts (2 of 4 stars). 8 submissions from 8 submitters: Benign (5); Likely benign (1). 2 of the submissions do not count toward it. Last evaluated 2026-02-04.

Conditions:
Perlman syndrome (PRLMNS). Identifiers: Orphanet 2849, MedGen C0796113, MONDO:0009965, OMIM 267000.

Allele frequency attached by ClinVar (database versions not stated): gnomAD exomes 0.03040 and 0.03076; ExAC 0.03135; 1000 Genomes Project 0.03694; 1000 Genomes Project 30x 0.03951; ESP Exome Variant Server 0.04114; gnomAD 0.04321 and 0.04483; TOPMed 0.04464.
gnomAD v4.1: 51,230 of 1,613,586 alleles (3.2%); highest among the groups gnomAD compares: African/African-American, 7.7%; 994 homozygotes.

Submissions (8):

Labcorp Genetics (formerly Invitae), Labcorp
Classification: Benign for Perlman syndrome. Last evaluated: 2026-02-04. Review status: criteria provided, single submitter. Criteria: Invitae Variant Classification Sherloc (09022015). Collection method: clinical testing. Allele origin: germline.

Blueprint Genetics
Classification: Likely benign. Last evaluated: 2024-11-26. Review status: criteria provided, single submitter. Criteria: ACMG Guidelines, 2015. Collection method: clinical testing. Allele origin: germline.

Mayo Clinic Laboratories, Mayo Clinic
Classification: Benign. Last evaluated: 2021-04-26. Review status: criteria provided, single submitter. Criteria: ACMG Guidelines, 2015. Collection method: clinical testing. Allele origin: germline. Observed: 18 variant alleles.

GeneDx
Classification: Benign. Last evaluated: 2019-02-24. Review status: criteria provided, single submitter. Criteria: GeneDx Variant Classification (06012015). Collection method: clinical testing. Allele origin: germline. Affected: yes.

Illumina Laboratory Services, Illumina
Classification: Benign for Perlman syndrome. Last evaluated: 2018-01-12. Review status: criteria provided, single submitter. Criteria: ICSL Variant Classification Criteria 13 December 2019. Collection method: clinical testing. Allele origin: germline.
Comment: This variant was observed in the ICSL laboratory as part of a predisposition screen in an ostensibly healthy population. It had not been previously curated by ICSL or reported in the Human Gene Mutation Database (HGMD: prior to June 1st, 2018), and was therefore a candidate for classification through an automated scoring system. Utilizing variant allele frequency, disease prevalence and penetrance estimates, and inheritance mode, an automated score was calculated to assess if this variant is too frequent to cause the disease. Based on the score and internal cut-off values, a variant classified as benign is not then subjected to further curation. The score for this variant resulted in a classification of benign for this disease.

Breakthrough Genomics
Classification: Benign. Review status: criteria provided, single submitter. Criteria: ACMG Guidelines, 2015. Collection method: not provided. Allele origin: germline. Inheritance: Autosomal recessive inheritance. Affected: yes.

Genome Diagnostics Laboratory, Amsterdam University Medical Center
Classification: Benign. Review status: no assertion criteria provided. Collection method: clinical testing. Allele origin: germline. Affected: yes. Study: VKGL Data-share Consensus. Not counted in ClinVar's aggregate classification.

Laboratory of Diagnostic Genome Analysis, Leiden University Medical Center (LUMC)
Classification: Benign. Review status: no assertion criteria provided. Collection method: clinical testing. Allele origin: germline. Affected: yes. Study: VKGL Data-share Consensus. Not counted in ClinVar's aggregate classification.